The following is an entry in ClinVar:

ClinVar aggregate classification (germline): Uncertain significance (1 of 4 stars; one submission).

Conditions:
PHIP-related disorder. Also called: PHIP-related disorders; PHIP-related condition.

Submission:

PreventionGenetics, part of Exact Sciences
Classification: Uncertain significance for PHIP-related condition. Last evaluated: 2026-03-22. Review status: criteria provided, single submitter. Criteria: ACMG Guidelines, 2015. Collection method: clinical testing. Allele origin: germline.
Comment: The PHIP c.2671A>G variant is predicted to result in the amino acid substitution p.Lys891Glu. To our knowledge, this variant has not been reported in the literature or in a large population database (gnomAD), indicating this variant is rare. At this time, the clinical significance of this variant is uncertain due to the absence of conclusive functional and genetic evidence.

NM_017934.7(PHIP):c.2671A>G (p.Lys891Glu)

Gene: PHIP (PHIP subunit of CUL4-Ring ligase complex; minus strand). Cytogenetic location: 6q14.1.
Variant type: single nucleotide variant.
Coding change: c.2671A>G on transcript NM_017934.7 (MANE Select); coding-DNA position 2671, A replaced by G.
Protein change: p.Lys891Glu; replaces lysine 891 with glutamic acid.
Molecular consequence: missense variant.
Genome position (GRCh38, 1-based): chr6:78,982,984, T>C on the plus strand (A>G on the coding strand, the complement: PHIP is on the minus strand). VCF-style: chr6-78982984-T-C. GRCh37 (hg19) VCF-style: chr6-79692701-T-C.
Other names: short protein forms K891E.
Identifiers: ClinVar variation 4994258 (VCV004994258.1).